The following is an entry in ClinVar:

ClinVar aggregate classification (germline): Uncertain significance. Review status: criteria provided, multiple submitters, no conflicts (2 of 4 stars). 2 submissions from 2 submitters: Uncertain significance (2). Last evaluated 2024-12-06.

Conditions:
Neurofibromatosis, type 1 (NF1). Also called: Neurofibromatosis, type I; NEUROFIBROMATOSIS, TYPE I, SOMATIC; Peripheral type neurofibromatosis; VON RECKLINGHAUSEN DISEASE. Identifiers: Orphanet 636, MedGen C0027831, MONDO:0018975, OMIM 162200. Disease mechanism: loss of function.

Submissions (2):

GeneDx
Classification: Uncertain significance. Last evaluated: 2024-12-06. Review status: criteria provided, single submitter. Criteria: GeneDx Variant Classification Process June 2021. Collection method: clinical testing. Allele origin: germline. Affected: yes.
Comment: Not observed at significant frequency in large population cohorts (gnomAD); In silico analysis indicates that this missense variant does not alter protein structure/function; This variant is associated with the following publications: (PMID: 24803665, 25486365, 29290338, 15060124)

Labcorp Genetics (formerly Invitae), Labcorp
Classification: Uncertain significance for Neurofibromatosis, type 1. Last evaluated: 2016-07-10. Review status: criteria provided, single submitter. Criteria: Invitae Variant Classification Sherloc (09022015). Collection method: clinical testing. Allele origin: germline.
Comment: This sequence change replaces isoleucine with methionine at codon 838 of the NF1 protein (p.Ile838Met). The isoleucine residue is moderately conserved and there is a small physicochemical difference between isoleucine and methionine. This variant is not present in population databases (ExAC no frequency). This variant has been reported in two individuals affected with neurofibromatosis type 1 (NF1) (PMID: 1506012, 2480366). Algorithms developed to predict the effect of missense changes on protein structure and function do not agree on the potential impact of this missense change (SIFT: "Tolerated"; PolyPhen-2: "Probably Damaging"; Align-GVGD: "Class C0"). In summary, this variant is a rare missense change with uncertain impact on protein function. While it is absent from the population and reported in affected individuals, the available evidence is currently insufficient to determine its role in disease. Therefore, it has been classified as a Variant of Uncertain Significance.

Literature cited by the submitters: PubMed 1506012 (cited by Labcorp Genetics (formerly Invitae), Labcorp); PubMed 2480366 (cited by Labcorp Genetics (formerly Invitae), Labcorp).

NM_001042492.3(NF1):c.2514C>G (p.Ile838Met)

Gene: NF1 (neurofibromin 1; plus strand). Cytogenetic location: 17q11.2.
Variant type: single nucleotide variant.
Coding change: c.2514C>G on transcript NM_001042492.3 (MANE Select); coding-DNA position 2514, C replaced by G.
Protein change: p.Ile838Met; replaces isoleucine 838 with methionine.
Molecular consequence: missense variant.
Genome position (GRCh38, 1-based): chr17:31,229,129, C>G. VCF-style: chr17-31229129-C-G. GRCh37 (hg19) VCF-style: chr17-29556147-C-G.
Other names: c.2514C>G, p.Ile838Met (NM_000267.4); short protein forms I838M.
Identifiers: ClinVar variation 404565 (VCV000404565.5), dbSNP rs863224352, ClinGen allele CA16615174.